The following is an entry in ClinVar:

NM_018124.4(RFWD3):c.1655C>A (p.Ala552Asp)

Gene: RFWD3 (ring finger and WD repeat domain 3; minus strand). Cytogenetic location: 16q23.1.
Variant type: single nucleotide variant.
Coding change: c.1655C>A on transcript NM_018124.4 (MANE Select); coding-DNA position 1655, C replaced by A.
Protein change: p.Ala552Asp; replaces alanine 552 with aspartic acid.
Molecular consequence: missense variant. On other transcripts: intron variant (1).
Genome position (GRCh38, 1-based): chr16:74,630,880, G>T on the plus strand (C>A on the coding strand, the complement: RFWD3 is on the minus strand). VCF-style: chr16-74630880-G-T. GRCh37 (hg19) VCF-style: chr16-74664778-G-T.
Other names: c.1655C>A, p.Ala552Asp (NM_001370534.1, NM_001370535.1); c.821C>A, p.Ala274Asp (NM_001370537.1, NM_001370539.1, NM_001370540.1 and 3 more transcripts); c.1577+1643C>A (NM_001370536.1); short protein forms A274D, A552D.
Identifiers: ClinVar variation 2018202 (VCV002018202.4), dbSNP rs2543949566, ClinGen allele CA396760315.
Genomic context (GRCh38, chr16:74,630,880, plus strand): 5'-GTGTTTCGCACGTCATATACCAGAATTGAACCATTGGCCAGTCCAGCATAGATGTAGTTA[G>T]CCTCATCAAGACACCAGCAACAGCTCCAGACAGGACGTCCAGCATTATAAGTCTGGACCA-3'
Protein context (NP_060594.3, residues 542-562): VWSCCWCLDE[Ala552Asp]NYIYAGLANG

ClinVar aggregate classification (germline): Uncertain significance (1 of 4 stars; one submission).

gnomAD v4.1: 2 of 1,614,046 alleles (0.00012%); highest among the groups gnomAD compares: Non-Finnish European, 0.00017%; no homozygotes.

Submission:

Labcorp Genetics (formerly Invitae), Labcorp
Classification: Uncertain significance. Last evaluated: 2022-07-21. Review status: criteria provided, single submitter. Criteria: Invitae Variant Classification Sherloc (09022015). Collection method: clinical testing. Allele origin: germline.
Comment: In summary, the available evidence is currently insufficient to determine the role of this variant in disease. Therefore, it has been classified as a Variant of Uncertain Significance. Algorithms developed to predict the effect of missense changes on protein structure and function (SIFT, PolyPhen-2, Align-GVGD) all suggest that this variant is likely to be tolerated. This variant has not been reported in the literature in individuals affected with RFWD3-related conditions. This variant is not present in population databases (gnomAD no frequency). This sequence change replaces alanine, which is neutral and non-polar, with aspartic acid, which is acidic and polar, at codon 552 of the RFWD3 protein (p.Ala552Asp).